The following is an entry in ClinVar:

ClinVar aggregate classification (germline): Uncertain significance (1 of 4 stars; one submission).

Conditions:
Cardiovascular phenotype. Identifiers: MedGen CN230736.

Submission:

Ambry Genetics
Classification: Uncertain significance for Cardiovascular phenotype. Last evaluated: 2025-05-10. Review status: criteria provided, single submitter. Criteria: Ambry Variant Classification Scheme 2023. Collection method: clinical testing. Allele origin: germline.
Comment: The p.E695D variant (also known as c.2085A>C), located in coding exon 13 of the CBL gene, results from an A to C substitution at nucleotide position 2085. The glutamic acid at codon 695 is replaced by aspartic acid, an amino acid with highly similar properties. This amino acid position is conserved. In addition, this alteration is predicted to be tolerated by in silico analysis. Based on the available evidence, the clinical significance of this variant remains unclear.

NM_005188.4(CBL):c.2085A>C (p.Glu695Asp)

Gene: CBL (Cbl proto-oncogene; plus strand). Cytogenetic location: 11q23.3.
Variant type: single nucleotide variant.
Coding change: c.2085A>C on transcript NM_005188.4 (MANE Select); coding-DNA position 2085, A replaced by C.
Protein change: p.Glu695Asp; replaces glutamic acid 695 with aspartic acid.
Molecular consequence: missense variant.
Genome position (GRCh38, 1-based): chr11:119,296,966, A>C. VCF-style: chr11-119296966-A-C. GRCh37 (hg19) VCF-style: chr11-119167676-A-C.
Other names: short protein forms E695D.
Identifiers: ClinVar variation 3996050 (VCV003996050.1).